The following is an entry in ClinVar:

ClinVar aggregate classification (germline): Conflicting classifications of pathogenicity. Review status: criteria provided, conflicting classifications (1 of 4 stars). 5 submissions from 5 submitters: Uncertain significance (4); Likely benign (1). Last evaluated 2026-01-09.

Conditions:
Inborn genetic diseases. Identifiers: MedGen C0950123, MeSH D030342.

Allele frequency attached by ClinVar (database versions not stated): gnomAD 0.00003; TOPMed 0.00004; ExAC 0.00009.

Submissions (5):

GeneDx
Classification: Uncertain significance. Last evaluated: 2026-01-09. Review status: criteria provided, single submitter. Criteria: GeneDx Variant Classification Process June 2021. Collection method: clinical testing. Allele origin: germline. Affected: yes.
Comment: In silico analysis suggests that this missense variant does not alter protein structure/function; Has not been previously published as pathogenic or benign to our knowledge

Labcorp Genetics (formerly Invitae), Labcorp
Classification: Uncertain significance. Last evaluated: 2026-01-05. Review status: criteria provided, single submitter. Criteria: Invitae Variant Classification Sherloc (09022015). Collection method: clinical testing. Allele origin: germline.
Comment: This sequence change replaces glutamic acid, which is acidic and polar, with aspartic acid, which is acidic and polar, at codon 505 of the HARS2 protein (p.Glu505Asp). This variant is present in population databases (rs370053420, gnomAD 0.1%). This variant has not been reported in the literature in individuals affected with HARS2-related conditions. ClinVar contains an entry for this variant (Variation ID: 517495). An algorithm developed to predict the effect of missense changes on protein structure and function outputs the following: PolyPhen-2: "Benign". The aspartic acid amino acid residue is found in multiple mammalian species, which suggests that this missense change does not adversely affect protein function. In summary, the available evidence is currently insufficient to determine the role of this variant in disease. Therefore, it has been classified as a Variant of Uncertain Significance.

Ambry Genetics
Classification: Uncertain significance for Inborn genetic diseases. Last evaluated: 2025-08-01. Review status: criteria provided, single submitter. Criteria: Ambry Variant Classification Scheme 2023. Collection method: clinical testing. Allele origin: germline.

Blueprint Genetics
Classification: Uncertain significance. Last evaluated: 2024-11-01. Review status: criteria provided, single submitter. Criteria: ACMG Guidelines, 2015. Collection method: clinical testing. Allele origin: germline.

Laboratory for Molecular Medicine, Mass General Brigham Personalized Medicine
Classification: Likely benign. Last evaluated: 2017-07-25. Review status: criteria provided, single submitter. Criteria: LMM Criteria. Collection method: clinical testing. Allele origin: germline. Observed: 1 variant allele.
Comment: p.Glu505Asp in exon 13 of HARS2: This variant is not expected to have clinical s ignificance due to a lack of conservation across species, including mammals. Of note, elephant, shrew, manatee, tenrec and aardvark have an Asp at this position despite high nearby amino acid conservation. In addition, computational predict ion tools do not suggest a high likelihood of impact to the protein. It has been identified in 0.1% (23/18870) of East Asian chromosomes by the Genome Aggregati on Database (gnomAD; dbSNP rs370053420).

NM_012208.4(HARS2):c.1515G>T (p.Glu505Asp)

Gene: HARS2 (histidyl-tRNA synthetase 2, mitochondrial; plus strand). Cytogenetic location: 5q31.3.
Variant type: single nucleotide variant.
Coding change: c.1515G>T on transcript NM_012208.4 (MANE Select); coding-DNA position 1515, G replaced by T.
Protein change: p.Glu505Asp; replaces glutamic acid 505 with aspartic acid.
Molecular consequence: missense variant.
Genome position (GRCh38, 1-based): chr5:140,698,546, G>T. VCF-style: chr5-140698546-G-T. GRCh37 (hg19) VCF-style: chr5-140078131-G-T.
Other names: c.1440G>T, p.Glu480Asp (NM_001278731.2); c.1083G>T, p.Glu361Asp (NM_001278732.2); c.1533G>T, p.Glu511Asp (NM_001363535.2); c.1305G>T, p.Glu435Asp (NM_001363536.2); short protein forms E505D, E511D, E361D, E435D, E480D.
Identifiers: ClinVar variation 517495 (VCV000517495.19), dbSNP rs370053420, ClinGen allele CA3444742.